The following is an entry in ClinVar:

ClinVar aggregate classification (germline): Uncertain significance (1 of 4 stars; one submission).

Submission:

Labcorp Genetics (formerly Invitae), Labcorp
Classification: Uncertain significance. Last evaluated: 2024-06-21. Review status: criteria provided, single submitter. Criteria: Invitae Variant Classification Sherloc (09022015). Collection method: clinical testing. Allele origin: germline.
Comment: This sequence change replaces proline, which is neutral and non-polar, with threonine, which is neutral and polar, at codon 97 of the NSMF protein (p.Pro97Thr). This variant is not present in population databases (gnomAD no frequency). This variant has not been reported in the literature in individuals affected with NSMF-related conditions. Advanced modeling of protein sequence and biophysical properties (such as structural, functional, and spatial information, amino acid conservation, physicochemical variation, residue mobility, and thermodynamic stability) performed at Invitae indicates that this missense variant is not expected to disrupt NSMF protein function with a negative predictive value of 80%. In summary, the available evidence is currently insufficient to determine the role of this variant in disease. Therefore, it has been classified as a Variant of Uncertain Significance.

NM_001130969.3(NSMF):c.289C>A (p.Pro97Thr)

Gene: NSMF (NMDA receptor synaptonuclear signaling and neuronal migration factor; minus strand). Cytogenetic location: 9q34.3.
Variant type: single nucleotide variant.
Coding change: c.289C>A on transcript NM_001130969.3 (MANE Select); coding-DNA position 289, C replaced by A.
Protein change: p.Pro97Thr; replaces proline 97 with threonine.
Molecular consequence: missense variant.
Genome position (GRCh38, 1-based): chr9:137,457,746, G>T on the plus strand (C>A on the coding strand, the complement: NSMF is on the minus strand). VCF-style: chr9-137457746-G-T. GRCh37 (hg19) VCF-style: chr9-140352198-G-T.
Other names: c.289C>A, p.Pro97Thr (NM_001130970.2, NM_001130971.2, NM_001178064.2 and 1 more transcripts); short protein forms P97T.
Identifiers: ClinVar variation 3657109 (VCV003657109.2).